The following is an entry in ClinVar:

ClinVar aggregate classification (germline): Conflicting classifications of pathogenicity. Review status: criteria provided, conflicting classifications (1 of 4 stars). 8 submissions from 8 submitters: Uncertain significance (5); Benign (1); Likely benign (2). Last evaluated 2025-11-17.

Conditions:
Hereditary cancer-predisposing syndrome. Also called: Tumor predisposition; Hereditary Cancer Syndrome; Neoplastic Syndromes, Hereditary; Hereditary neoplastic syndrome. Identifiers: Orphanet 140162, MedGen C0027672, MeSH D009386, MONDO:0015356.
Breast and/or ovarian cancer. Identifiers: MedGen CN221562.
Fanconi anemia complementation group O. Also called: RAD51C-Related Fanconi Anemia. Identifiers: Orphanet 84, MedGen C3150653, MONDO:0013248, OMIM 613390.
Breast-ovarian cancer, familial, susceptibility to, 3. Also called: RAD51C-Related Breast/Ovarian Cancer. Identifiers: Orphanet 145, MedGen C3150659, MONDO:0013253, OMIM 613399.

Allele frequency attached by ClinVar (database versions not stated): ExAC 0.00002; gnomAD exomes 0.00002; TOPMed 0.00002.

Submissions (8):

Labcorp Genetics (formerly Invitae), Labcorp
Classification: Uncertain significance for Fanconi anemia complementation group O. Last evaluated: 2025-11-17. Review status: criteria provided, single submitter. Criteria: Invitae Variant Classification Sherloc (09022015). Collection method: clinical testing. Allele origin: germline.
Comment: This sequence change replaces glutamic acid, which is acidic and polar, with lysine, which is basic and polar, at codon 36 of the RAD51C protein (p.Glu36Lys). This variant is present in population databases (rs773998134, gnomAD 0.004%). This missense change has been observed in individual(s) with breast cancer and/or colorectal cancer (PMID: 24139550, 34923718). ClinVar contains an entry for this variant (Variation ID: 216803). Invitae Evidence Modeling of protein sequence and biophysical properties (such as structural, functional, and spatial information, amino acid conservation, physicochemical variation, residue mobility, and thermodynamic stability) indicates that this missense variant is not expected to disrupt RAD51C protein function with a negative predictive value of 80%. Experimental studies have shown that this missense change does not substantially affect RAD51C function (PMID: 37253112). In summary, the available evidence is currently insufficient to determine the role of this variant in disease. Therefore, it has been classified as a Variant of Uncertain Significance.

Ambry Genetics
Classification: Benign for Hereditary cancer-predisposing syndrome. Last evaluated: 2025-09-30. Review status: criteria provided, single submitter. Criteria: Ambry Variant Classification Scheme 2023. Collection method: clinical testing. Allele origin: germline.

Myriad Genetics, Inc.
Classification: Likely benign for Breast-ovarian cancer, familial, susceptibility to, 3. Last evaluated: 2025-02-14. Review status: criteria provided, single submitter. Criteria: Myriad Autosomal Dominant, Autosomal Recessive and X-Linked Classification Criteria (2023). Collection method: clinical testing. Allele origin: unknown.
Comment: This variant is considered likely benign. This variant is strongly associated with less severe personal and family histories of cancer, typical for individuals without pathogenic variants in this gene [PMID: 25085752].

Baylor Genetics
Classification: Uncertain significance for Breast-ovarian cancer, familial, susceptibility to, 3. Last evaluated: 2024-03-13. Review status: criteria provided, single submitter. Criteria: ACMG Guidelines, 2015. Collection method: clinical testing. Allele origin: unknown.

Quest Diagnostics Nichols Institute San Juan Capistrano
Classification: Uncertain significance. Last evaluated: 2023-09-15. Review status: criteria provided, single submitter. Criteria: Quest Diagnostics criteria. Collection method: clinical testing. Allele origin: unknown.
Comment: In the published literature, this variant has been reported in individuals with breast and/or ovarian cancer (PMID: 29484706 (2018), 24139550 (2013), 23117857 (2012), 21537932 (2011)). A published functional study reported that this variant does not significantly disrupt homology direct repair activity (PMID: 37253112 (2023)). The frequency of this variant in the general population, 0.000035 (4/113752 chromosomes (Genome Aggregation Database)), is uninformative in the assessment of its pathogenicity. Analysis of this variant using bioinformatics tools for the prediction of the effect of amino acid changes on protein structure and function yielded predictions that this variant is benign. Based on the available information, we are unable to determine the clinical significance of this variant.

GeneDx
Classification: Uncertain significance. Last evaluated: 2023-05-30. Review status: criteria provided, single submitter. Criteria: GeneDx Variant Classification Process June 2021. Collection method: clinical testing. Allele origin: germline. Affected: yes.
Comment: Not observed at significant frequency in large population cohorts (gnomAD); In silico analysis supports that this missense variant does not alter protein structure/function; This variant is associated with the following publications: (PMID: 22451500, 25470109, 23117857, 21537932, 24139550, 34923718, 29484706)

CHEO Genetics Diagnostic Laboratory, Children's Hospital of Eastern Ontario
Classification: Uncertain significance for Breast and/or ovarian cancer. Last evaluated: 2021-05-03. Review status: criteria provided, single submitter. Criteria: ACMG Guidelines, 2015. Collection method: clinical testing. Allele origin: germline.

Color Diagnostics, LLC DBA Color Health
Classification: Likely benign for Hereditary cancer-predisposing syndrome. Last evaluated: 2016-07-18. Review status: criteria provided, single submitter. Criteria: ACMG Guidelines, 2015. Collection method: clinical testing. Allele origin: germline.

Literature cited by the submitters: PubMed 24139550 (cited by 3 submitters); PubMed 34923718 (cited by Labcorp Genetics (formerly Invitae), Labcorp and Quest Diagnostics Nichols Institute San Juan Capistrano); PubMed 37253112 (cited by 3 submitters); PubMed 21537932 (cited by Ambry Genetics and Quest Diagnostics Nichols Institute San Juan Capistrano); PubMed 22451500 (cited by Ambry Genetics and Quest Diagnostics Nichols Institute San Juan Capistrano); PubMed 23117857 (cited by Ambry Genetics and Quest Diagnostics Nichols Institute San Juan Capistrano); PubMed 25470109 (cited by Ambry Genetics and Quest Diagnostics Nichols Institute San Juan Capistrano); PubMed 29484706 (cited by Ambry Genetics and Quest Diagnostics Nichols Institute San Juan Capistrano); PubMed 25085752 (cited by Myriad Genetics, Inc.).

NM_058216.3(RAD51C):c.106G>A (p.Glu36Lys)

Gene: RAD51C (RAD51 paralog C; plus strand). Cytogenetic location: 17q22.
Variant type: single nucleotide variant.
Coding change: c.106G>A on transcript NM_058216.3 (MANE Select); coding-DNA position 106, G replaced by A.
Protein change: p.Glu36Lys; replaces glutamic acid 36 with lysine.
Molecular consequence: missense variant. On other transcripts: non-coding transcript variant (1).
Genome position (GRCh38, 1-based): chr17:58,692,749, G>A. VCF-style: chr17-58692749-G-A. GRCh37 (hg19) VCF-style: chr17-56770110-G-A.
Other names: c.106G>A, p.Glu36Lys (NM_002876.4); short protein forms E36K.
Identifiers: ClinVar variation 216803 (VCV000216803.28), dbSNP rs773998134, ClinGen allele CA339592.
Genomic context (GRCh38, chr17:58,692,749, plus strand): 5'-AGTTTCCCGCTGTCTCCAGCGGTGCGGGTGAAGCTGGTGTCTGCGGGGTTCCAGACTGCT[G>A]AGGAACTCCTAGAGGTGAAACCCTCCGAGCTTAGCAAAGGTAACGACTCCTGATGGCAAG-3'
Protein context (NP_478123.1, residues 26-46): KLVSAGFQTA[Glu36Lys]ELLEVKPSEL